The following is an entry in ClinVar:

ClinVar aggregate classification (germline): not provided (0 of 4 stars; one submission).

Allele frequency attached by ClinVar (database versions not stated): gnomAD exomes 0.00067 and 0.00201; ExAC 0.00254; ESP Exome Variant Server 0.00713; gnomAD 0.00737 and 0.00788; TOPMed 0.00821; 1000 Genomes Project 0.01018; 1000 Genomes Project 30x 0.01077.
gnomAD v4.1: 2,128 of 1,611,060 alleles (0.13%); highest among the groups gnomAD compares: African/African-American, 2.5%; 32 homozygotes.

Submission:

ITMI
No classification provided. Condition: AllHighlyPenetrant. Last evaluated: 2013-09-19. Review status: no classification provided. Collection method: reference population. Allele origin: germline.
Comment: Please see associated publication for description of ethnicities

Literature cited by the submitters: PubMed 24728327.

NM_001077706.3(ECT2L):c.145G>A (p.Ala49Thr)

Gene: ECT2L (epithelial cell transforming 2 like; plus strand). Cytogenetic location: 6q24.1.
Variant type: single nucleotide variant.
Coding change: c.145G>A on transcript NM_001077706.3 (MANE Select); coding-DNA position 145, G replaced by A.
Protein change: p.Ala49Thr; replaces alanine 49 with threonine.
Molecular consequence: missense variant.
Genome position (GRCh38, 1-based): chr6:138,814,569, G>A. VCF-style: chr6-138814569-G-A. GRCh37 (hg19) VCF-style: chr6-139135706-G-A.
Other names: c.145G>A, p.Ala49Thr (NM_001195037.2); short protein forms A49T.
Identifiers: ClinVar variation 134005 (VCV000134005.1), dbSNP rs146769748, ClinGen allele CA158393.
Genomic context (GRCh38, chr6:138,814,569, plus strand): 5'-GCTCTTATAAGTCATTGGTTTGACCTCTGGACTAACAAGCAACGTCAAGAATTCTTATTC[G>A]CAATTTTTTTAAGATGCACTAAATCACAATTAAGGTAAATGTAGCCTAATGATGTAATTA-3'
Protein context (NP_001071174.1, residues 39-59): TNKQRQEFLF[Ala49Thr]IFLRCTKSQL